The following is an entry in ClinVar:

NM_005534.4(IFNGR2):c.533A>G (p.His178Arg)

Gene: IFNGR2 (interferon gamma receptor 2; plus strand). Cytogenetic location: 21q22.11.
Variant type: single nucleotide variant.
Coding change: c.533A>G on transcript NM_005534.4 (MANE Select); coding-DNA position 533, A replaced by G.
Protein change: p.His178Arg; replaces histidine 178 with arginine.
Molecular consequence: missense variant.
Genome position (GRCh38, 1-based): chr21:33,427,004, A>G. VCF-style: chr21-33427004-A-G. GRCh37 (hg19) VCF-style: chr21-34799311-A-G.
Other names: c.590A>G, p.His197Arg (NM_001329128.2); short protein forms H178R, H197R.
Identifiers: ClinVar variation 1054880 (VCV001054880.10), dbSNP rs115346998, ClinGen allele CA10006958.

ClinVar aggregate classification (germline): Uncertain significance (1 of 4 stars; one submission).

Conditions:
Immunodeficiency 28 (IMD28). Also called: IFNGR2 DEFICIENCY. Identifiers: Orphanet 319547, Orphanet 319574, MedGen C4013947, MONDO:0013953, OMIM 614889.

Allele frequency attached by ClinVar (database versions not stated): ExAC 0.00003; gnomAD exomes 0.00004; gnomAD 0.00007; 1000 Genomes Project 30x 0.00062; 1000 Genomes Project 0.00080.
gnomAD v4.1: 72 of 1,613,234 alleles (0.0045%); highest among the groups gnomAD compares: East Asian, 0.14%; no homozygotes.

Submission:

Labcorp Genetics (formerly Invitae), Labcorp
Classification: Uncertain significance for Immunodeficiency 28. Last evaluated: 2023-10-03. Review status: criteria provided, single submitter. Criteria: Invitae Variant Classification Sherloc (09022015). Collection method: clinical testing. Allele origin: germline.
Comment: This sequence change replaces histidine, which is basic and polar, with arginine, which is basic and polar, at codon 178 of the IFNGR2 protein (p.His178Arg). The frequency data for this variant in the population databases is considered unreliable, as metrics indicate poor data quality at this position in the gnomAD database. This variant has not been reported in the literature in individuals affected with IFNGR2-related conditions. ClinVar contains an entry for this variant (Variation ID: 1054880). Advanced modeling of protein sequence and biophysical properties (such as structural, functional, and spatial information, amino acid conservation, physicochemical variation, residue mobility, and thermodynamic stability) performed at Invitae indicates that this missense variant is not expected to disrupt IFNGR2 protein function. In summary, the available evidence is currently insufficient to determine the role of this variant in disease. Therefore, it has been classified as a Variant of Uncertain Significance.